The following is an entry in ClinVar:

ClinVar aggregate classification (germline): Uncertain significance (1 of 4 stars; one submission).

Conditions:
D-2-hydroxyglutaric aciduria 1 (D2HGA1). Identifiers: Orphanet 79315, MedGen C3152055, MONDO:0024554, OMIM 600721.

Submission:

Labcorp Genetics (formerly Invitae), Labcorp
Classification: Uncertain significance for D-2-hydroxyglutaric aciduria 1. Last evaluated: 2022-11-15. Review status: criteria provided, single submitter. Criteria: Invitae Variant Classification Sherloc (09022015). Collection method: clinical testing. Allele origin: germline.
Comment: In summary, the available evidence is currently insufficient to determine the role of this variant in disease. Therefore, it has been classified as a Variant of Uncertain Significance. Experimental studies and prediction algorithms are not available or were not evaluated, and the functional significance of this variant is currently unknown. This variant has not been reported in the literature in individuals affected with D2HGDH-related conditions. This variant results in a copy number gain of the genomic region encompassing exon(s) 10 of the D2HGDH gene. This region includes the termination codon of the gene. This copy number gain extends beyond the assayed region for this gene and therefore may encompass additional genes. As the precise location of this event is unknown, it may be in tandem or it may be located elsewhere in the genome.

NC_000002.11:g.(?_242707105)_(242707384_?)dup

Gene: D2HGDH (D-2-hydroxyglutarate dehydrogenase; plus strand). Cytogenetic location: 2q37.3.
Variant type: Duplication.
Identifiers: ClinVar variation 2427420 (VCV002427420.4).